The following is an entry in ClinVar:

ClinVar aggregate classification (germline): Uncertain significance. Review status: criteria provided, multiple submitters, no conflicts (2 of 4 stars). 2 submissions from 2 submitters: Uncertain significance (2). Last evaluated 2024-11-30.

Conditions:
Inborn genetic diseases. Identifiers: MedGen C0950123, MeSH D030342.

Allele frequency attached by ClinVar (database versions not stated): gnomAD 0.00001; TOPMed 0.00001.
gnomAD v4.1: 1 of 1,613,988 alleles (0.000062%); highest among the groups gnomAD compares: African/African-American, 0.0013%; no homozygotes.

Submissions (2):

Ambry Genetics
Classification: Uncertain significance for Inborn genetic diseases. Last evaluated: 2024-11-30. Review status: criteria provided, single submitter. Criteria: Ambry Variant Classification Scheme 2023. Collection method: clinical testing. Allele origin: germline.
Comment: The p.F723L variant (also known as c.2169C>A), located in coding exon 12 of the BMPR2 gene, results from a C to A substitution at nucleotide position 2169. The phenylalanine at codon 723 is replaced by leucine, an amino acid with highly similar properties. This amino acid position is conserved. In addition, the in silico prediction for this alteration is inconclusive. Based on the available evidence, the clinical significance of this variant remains unclear.

Revvity Omics, Revvity
Classification: Uncertain significance. Last evaluated: 2020-09-15. Review status: criteria provided, single submitter. Criteria: ACMG Guidelines, 2015. Collection method: clinical testing. Allele origin: germline.

NM_001204.7(BMPR2):c.2169C>A (p.Phe723Leu)

Gene: BMPR2 (bone morphogenetic protein receptor type 2; plus strand). Cytogenetic location: 2q33.2.
Variant type: single nucleotide variant.
Coding change: c.2169C>A on transcript NM_001204.7 (MANE Select); coding-DNA position 2169, C replaced by A.
Protein change: p.Phe723Leu; replaces phenylalanine 723 with leucine.
Molecular consequence: missense variant.
Genome position (GRCh38, 1-based): chr2:202,555,834, C>A. VCF-style: chr2-202555834-C-A. GRCh37 (hg19) VCF-style: chr2-203420557-C-A.
Other names: short protein forms F723L.
Identifiers: ClinVar variation 2439539 (VCV002439539.4), dbSNP rs1374584904, ClinGen allele CA350347666.
Genomic context (GRCh38, chr2:202,555,834, plus strand): 5'-TTCTAGCTTGCTTTACCCACTCATAAAACTTGCAGTAGAAGCAACTGGACAGCAGGACTT[C>A]ACACAGACTGCAAATGGCCAAGCATGTTTGATTCCTGATGTTCTGCCTACTCAGATCTAT-3'
Protein context (NP_001195.2, residues 713-733): LAVEATGQQD[Phe723Leu]TQTANGQACL